The following is an entry in ClinVar:

ClinVar aggregate classification (germline): Likely benign (0 of 4 stars; one submission).

Conditions:
THBS1-related disorder. Also called: THBS1-related condition.

gnomAD v4.1: 71 of 1,614,116 alleles (0.0044%); highest among the groups gnomAD compares: Non-Finnish European, 0.0056%; no homozygotes.

Submission:

PreventionGenetics, part of Exact Sciences
Classification: Likely benign for THBS1-related condition. Last evaluated: 2019-11-26. Review status: no assertion criteria provided. Collection method: clinical testing. Allele origin: germline.
Comment: This variant is classified as likely benign based on ACMG/AMP sequence variant interpretation guidelines (Richards et al. 2015 PMID: 25741868, with internal and published modifications).

NM_003246.4(THBS1):c.3189G>T (p.Val1063=)

Genes: THBS1 (thrombospondin 1; plus strand), LOC126862110 (MED14-independent group 3 enhancer GRCh37_chr15:39885600-39886799; plus strand). Cytogenetic location: 15q14.
Variant type: single nucleotide variant.
Coding change: c.3189G>T on transcript NM_003246.4 (MANE Select); coding-DNA position 3189, G replaced by T.
Protein change: p.Val1063=; no amino-acid change (valine 1063 retained).
Molecular consequence: synonymous variant.
Genome position (GRCh38, 1-based): chr15:39,593,590, G>T. VCF-style: chr15-39593590-G-T. GRCh37 (hg19) VCF-style: chr15-39885791-G-T.
Identifiers: ClinVar variation 3353653 (VCV003353653.1).